The following is an entry in ClinVar:

NM_001098672.2(HEPHL1):c.1232+9C>G

Gene: HEPHL1 (hephaestin like 1; plus strand). Cytogenetic location: 11q21.
Variant type: single nucleotide variant.
Coding change: c.1232+9C>G on transcript NM_001098672.2 (MANE Select); 9 bases into the intron after coding-DNA position 1232, C replaced by G.
Molecular consequence: intron variant.
Genome position (GRCh38, 1-based): chr11:94,070,551, C>G. VCF-style: chr11-94070551-C-G. GRCh37 (hg19) VCF-style: chr11-93803717-C-G.
Identifiers: ClinVar variation 1285337 (VCV001285337.6), dbSNP rs1878799, ClinGen allele CA6233188.

ClinVar aggregate classification (germline): Benign. Review status: criteria provided, multiple submitters, no conflicts (2 of 4 stars). 4 submissions from 4 submitters: Benign (3). 1 of the submissions does not count toward it. Last evaluated 2024-11-27.

Conditions:
HEPHL1-related disorder. Also called: HEPHL1-related condition.
Pili torti-developmental delay-neurological abnormalities syndrome. Identifiers: Orphanet 2891, MedGen C1849811, MONDO:0009871, OMIM 261990.

Allele frequency attached by ClinVar (database versions not stated): 1000 Genomes Project 30x 0.78482; 1000 Genomes Project 0.78934; TOPMed 0.83394; ESP Exome Variant Server 0.85431.
gnomAD v4.1: 1,534,234 of 1,601,134 alleles (96%); highest among the groups gnomAD compares: Non-Finnish European, 99%; 743,890 homozygotes.

Submissions (4):

Blueprint Genetics
Classification: Benign. Last evaluated: 2024-11-27. Review status: criteria provided, single submitter. Criteria: ACMG Guidelines, 2015. Collection method: clinical testing. Allele origin: germline.

Genome-Nilou Lab
Classification: Benign for Pili torti-developmental delay-neurological abnormalities syndrome. Last evaluated: 2021-08-10. Review status: criteria provided, single submitter. Criteria: ACMG Guidelines, 2015. Collection method: clinical testing. Allele origin: germline. Affected: no.

Breakthrough Genomics
Classification: Benign. Review status: criteria provided, single submitter. Criteria: ACMG Guidelines, 2015. Collection method: not provided. Allele origin: germline. Inheritance: Autosomal recessive inheritance. Affected: yes.

PreventionGenetics, part of Exact Sciences
Classification: Benign for HEPHL1-related condition. Last evaluated: 2019-10-29. Review status: no assertion criteria provided. Collection method: clinical testing. Allele origin: germline. Not counted in ClinVar's aggregate classification.
Comment: This variant is classified as benign based on ACMG/AMP sequence variant interpretation guidelines (Richards et al. 2015 PMID: 25741868, with internal and published modifications).